The following is an entry in ClinVar:

ClinVar aggregate classification (germline): Likely benign. Review status: criteria provided, single submitter (1 of 4 stars). 2 submissions from 2 submitters: Likely benign (1). 1 of the submissions does not count toward it. Last evaluated 2025-07-04.

Conditions:
TECPR2-related disorder. Also called: TECPR2-related condition.
Hereditary spastic paraplegia 49 (HSAN9). Also called: TECPR2-Related Hereditary Sensory and Autonomic Neuropathy with Intellectual Disability; Spastic paraplegia 49, autosomal recessive; NEUROPATHY, HEREDITARY SENSORY AND AUTONOMIC, TYPE IX, WITH DEVELOPMENTAL DELAY. Identifiers: Orphanet 320385, MedGen C5190860, MONDO:0014016, OMIM 615031.

Allele frequency attached by ClinVar (database versions not stated): gnomAD exomes 0.00001 and 0.00002; gnomAD 0.00003 and 0.00004; TOPMed 0.00008.
gnomAD v4.1: 23 of 1,567,934 alleles (0.0015%); highest among the groups gnomAD compares: Admixed American, 0.037%; no homozygotes.

Submissions (2):

Labcorp Genetics (formerly Invitae), Labcorp
Classification: Likely benign for Hereditary spastic paraplegia 49. Last evaluated: 2025-07-04. Review status: criteria provided, single submitter. Criteria: Invitae Variant Classification Sherloc (09022015). Collection method: clinical testing. Allele origin: germline.

PreventionGenetics, part of Exact Sciences
Classification: Likely benign for TECPR2-related condition. Last evaluated: 2019-06-14. Review status: no assertion criteria provided. Collection method: clinical testing. Allele origin: germline. Not counted in ClinVar's aggregate classification.
Comment: This variant is classified as likely benign based on ACMG/AMP sequence variant interpretation guidelines (Richards et al. 2015 PMID: 25741868, with internal and published modifications).

NM_014844.5(TECPR2):c.3640+10C>T

Gene: TECPR2 (tectonin beta-propeller repeat containing 2; plus strand). Cytogenetic location: 14q32.31.
Variant type: single nucleotide variant.
Coding change: c.3640+10C>T on transcript NM_014844.5 (MANE Select); 10 bases into the intron after coding-DNA position 3640, C replaced by T.
Molecular consequence: intron variant.
Genome position (GRCh38, 1-based): chr14:102,452,637, C>T. VCF-style: chr14-102452637-C-T. GRCh37 (hg19) VCF-style: chr14-102918974-C-T.
Other names: c.3640+10C>T (NM_001172631.3, NM_014844.4).
Identifiers: ClinVar variation 705051 (VCV000705051.13), dbSNP rs1029063500, ClinGen allele CA267073259.